The following is an entry in ClinVar:

ClinVar aggregate classification (germline): Uncertain significance (1 of 4 stars; one submission).

Conditions:
Epidermolysis bullosa simplex 3, localized or generalized intermediate, with BP230 deficiency (EBS3). Also called: Epidermolysis bullosa simplex due to BP230 deficiency; Epidermolysis bullosa simplex, autosomal recessive 2. Identifiers: Orphanet 412181, MedGen C3809470, MONDO:0014180, OMIM 615425.
Hereditary sensory and autonomic neuropathy type 6. Also called: HSAN VI; Neuropathy, hereditary sensory and autonomic, type VI. Identifiers: Orphanet 314381, MedGen C3539003, MONDO:0013839, OMIM 614653.

Allele frequency attached by ClinVar (database versions not stated): gnomAD 0.00003; gnomAD exomes 0.00003 and 0.00013; TOPMed 0.00003; ExAC 0.00013; 1000 Genomes Project 30x 0.00016; 1000 Genomes Project 0.00020.
gnomAD v4.1: 45 of 1,597,660 alleles (0.0028%); highest among the groups gnomAD compares: Admixed American, 0.051%; no homozygotes.

Submission:

Labcorp Genetics (formerly Invitae), Labcorp
Classification: Uncertain significance for Epidermolysis bullosa simplex 3, localized or generalized intermediate, with BP230 deficiency; Hereditary sensory and autonomic neuropathy type 6. Last evaluated: 2021-11-29. Review status: criteria provided, single submitter. Criteria: Invitae Variant Classification Sherloc (09022015). Collection method: clinical testing. Allele origin: germline.
Comment: The DST gene has multiple clinically relevant transcripts. This variant occurs in alternate transcript NM_015548.4, and corresponds to NM_001723.5:c.*121479C>T in the primary transcript. This sequence change replaces serine, which is neutral and polar, with leucine, which is neutral and non-polar, at codon 4166 of the DST protein (p.Ser4166Leu). This variant is present in population databases (rs549175578, gnomAD 0.07%). This variant has not been reported in the literature in individuals affected with DST-related conditions. Experimental studies and prediction algorithms are not available or were not evaluated, and the functional significance of this variant is currently unknown. In summary, the available evidence is currently insufficient to determine the role of this variant in disease. Therefore, it has been classified as a Variant of Uncertain Significance.

NM_001374736.1(DST):c.20366C>T (p.Ser6789Leu)

Gene: DST (dystonin; minus strand). Cytogenetic location: 6p12.1.
Variant type: single nucleotide variant.
Coding change: c.20366C>T on transcript NM_001374736.1 (MANE Select); coding-DNA position 20366, C replaced by T.
Protein change: p.Ser6789Leu; replaces serine 6789 with leucine.
Molecular consequence: missense variant.
Genome position (GRCh38, 1-based): chr6:56,494,038, G>A on the plus strand (C>T on the coding strand, the complement: DST is on the minus strand). VCF-style: chr6-56494038-G-A. GRCh37 (hg19) VCF-style: chr6-56358836-G-A.
Other names: c.13475C>T, p.Ser4492Leu (NM_183380.4, NM_001386100.1); c.14009C>T, p.Ser4670Leu (NM_001144769.5); c.13595C>T, p.Ser4532Leu (NM_001144770.2); c.20366C>T, p.Ser6789Leu (NM_001374722.1); c.19406C>T, p.Ser6469Leu (NM_001374729.1); c.13148C>T, p.Ser4383Leu (NM_001374730.1); c.20393C>T, p.Ser6798Leu (NM_001374734.1); c.12497C>T, p.Ser4166Leu (NM_015548.5); short protein forms S4492L, S6469L, S6789L, S6798L, S4166L, S4670L, S4383L, S4532L.
Identifiers: ClinVar variation 1369387 (VCV001369387.3), dbSNP rs549175578, ClinGen allele CA3866772.